The following is an entry in ClinVar:

NM_182914.3(SYNE2):c.3197_3207del (p.Ser1066fs)

Gene: SYNE2 (spectrin repeat containing nuclear envelope protein 2; plus strand). Cytogenetic location: 14q23.2.
Variant type: Deletion.
Coding change: c.3197_3207del on transcript NM_182914.3 (MANE Select); coding-DNA positions 3197 to 3207, 11 bases deleted (GTGAGGCACCA).
Protein change: p.Ser1066fs; shifts the reading frame from serine 1066.
Molecular consequence: frameshift variant.
Genome position (GRCh38, 1-based): chr14:63,997,345-63,997,355, GTGAGGCACCA deleted; deleting any 11 consecutive bases within chr14:63,997,343-63,997,355 gives the same sequence; the c. name uses the placement nearest the transcript's 3' end. VCF-style (leftmost placement, unchanged base first): chr14-63997342-ACAGTGAGGCAC-A. GRCh37 (hg19) VCF-style: chr14-64464060-ACAGTGAGGCAC-A.
Other names: c.3197_3207del, p.Ser1066fs (NM_015180.6); short protein forms S1066fs.
Identifiers: ClinVar variation 2030100 (VCV002030100.4), dbSNP rs2550949897, ClinGen allele CA2580088319.

ClinVar aggregate classification (germline): Uncertain significance (1 of 4 stars; one submission).

Conditions:
Emery-Dreifuss muscular dystrophy 5, autosomal dominant (EDMD5). Also called: EMERY-DREIFUSS MUSCULAR DYSTROPHY 5. Identifiers: Orphanet 261, MedGen C2751805, MONDO:0013072, OMIM 612999.

Submission:

Labcorp Genetics (formerly Invitae), Labcorp
Classification: Uncertain significance for Emery-Dreifuss muscular dystrophy 5, autosomal dominant. Last evaluated: 2022-09-12. Review status: criteria provided, single submitter. Criteria: Invitae Variant Classification Sherloc (09022015). Collection method: clinical testing. Allele origin: germline.
Comment: In summary, the available evidence is currently insufficient to determine the role of this variant in disease. Therefore, it has been classified as a Variant of Uncertain Significance. This variant has not been reported in the literature in individuals affected with SYNE2-related conditions. This variant is not present in population databases (gnomAD no frequency). This sequence change creates a premature translational stop signal (p.Ser1066Ilefs*6) in the SYNE2 gene. It is expected to result in an absent or disrupted protein product. However, the current clinical and genetic evidence is not sufficient to establish whether loss-of-function variants in SYNE2 cause disease.